The following is an entry in ClinVar:

NM_024408.4(NOTCH2):c.5161G>A (p.Ala1721Thr)

Gene: NOTCH2 (notch receptor 2; minus strand). Cytogenetic location: 1p12.
Variant type: single nucleotide variant.
Coding change: c.5161G>A on transcript NM_024408.4 (MANE Select); coding-DNA position 5161, G replaced by A.
Protein change: p.Ala1721Thr; replaces alanine 1721 with threonine.
Molecular consequence: missense variant.
Genome position (GRCh38, 1-based): chr1:119,922,288, C>T on the plus strand (G>A on the coding strand, the complement: NOTCH2 is on the minus strand). VCF-style: chr1-119922288-C-T. GRCh37 (hg19) VCF-style: chr1-120464911-C-T.
Other names: c.5161G>A (NM_024408.3); short protein forms A1721T.
Identifiers: ClinVar variation 134979 (VCV000134979.17), dbSNP rs115013051, ClinGen allele CA161285.

ClinVar aggregate classification (germline): Conflicting classifications of pathogenicity. Review status: criteria provided, conflicting classifications (1 of 4 stars). 5 submissions from 5 submitters: Uncertain significance (1); Likely benign (2). 2 of the submissions do not count toward it. Last evaluated 2025-04-13.

Conditions:
NOTCH2-related disorder. Also called: NOTCH2-related condition.
Hajdu-Cheney syndrome (HJCYS). Also called: Acroosteolysis dominant type; ACROOSTEOLYSIS WITH OSTEOPOROSIS AND CHANGES IN SKULL AND MANDIBLE; SERPENTINE FIBULA-POLYCYSTIC KIDNEY SYNDROME. Identifiers: Orphanet 955, MedGen C0917715, MONDO:0007057, OMIM 102500.

Allele frequency attached by ClinVar (database versions not stated): gnomAD exomes 0.00004 and 0.00007; ExAC 0.00012; TOPMed 0.00019; gnomAD 0.00022; ESP Exome Variant Server 0.00023; 1000 Genomes Project 0.00060; 1000 Genomes Project 30x 0.00062.
gnomAD v4.1: 86 of 1,614,182 alleles (0.0053%); highest among the groups gnomAD compares: African/African-American, 0.079%; no homozygotes.

Submissions (5):

Labcorp Genetics (formerly Invitae), Labcorp
Classification: Likely benign for Hajdu-Cheney syndrome. Last evaluated: 2025-04-13. Review status: criteria provided, single submitter. Criteria: Invitae Variant Classification Sherloc (09022015). Collection method: clinical testing. Allele origin: germline.

Blueprint Genetics
Classification: Likely benign. Last evaluated: 2023-08-23. Review status: criteria provided, single submitter. Criteria: ACMG Guidelines, 2015. Collection method: clinical testing. Allele origin: germline.

Eurofins Ntd Llc (ga)
Classification: Uncertain significance. Last evaluated: 2017-08-08. Review status: criteria provided, single submitter. Criteria: EGL Classification Definitions 2015. Collection method: clinical testing. Allele origin: germline. Observed: 2 variant alleles, 2 heterozygotes.

PreventionGenetics, part of Exact Sciences
Classification: Likely benign for NOTCH2-related condition. Last evaluated: 2022-02-07. Review status: no assertion criteria provided. Collection method: clinical testing. Allele origin: germline. Not counted in ClinVar's aggregate classification.
Comment: This variant is classified as likely benign based on ACMG/AMP sequence variant interpretation guidelines (Richards et al. 2015 PMID: 25741868, with internal and published modifications).

ITMI
No classification provided. Condition: AllHighlyPenetrant. Last evaluated: 2013-09-19. Review status: no classification provided. Collection method: reference population. Allele origin: germline. Not counted in ClinVar's aggregate classification.
Comment: Please see associated publication for description of ethnicities

Literature cited by the submitters: PubMed 24728327 (cited by ITMI).